The following is an entry in ClinVar:

ClinVar aggregate classification (germline): Likely benign (1 of 4 stars; one submission).

gnomAD v4.1: 6,914 of 1,612,038 alleles (0.43%); highest among the groups gnomAD compares: Non-Finnish European, 0.55%; 26 homozygotes.

Submission:

CeGaT Center for Human Genetics Tuebingen
Classification: Likely benign. Last evaluated: 2026-01-01. Review status: criteria provided, single submitter. Criteria: CeGaT Center For Human Genetics Tuebingen Variant Classification Criteria Version 2. Collection method: clinical testing. Allele origin: germline. Affected: yes. Observed: 1 variant allele.
Comment: RC3H1: BP4, BS2

NM_172071.4(RC3H1):c.2761G>A (p.Gly921Ser)

Genes: RC3H1 (ring finger and CCCH-type domains 1; minus strand), LOC126805924 (MED14-independent group 3 enhancer GRCh37_chr1:173915901-173917100; plus strand). Cytogenetic location: 1q25.1.
Variant type: single nucleotide variant.
Coding change: c.2761G>A on transcript NM_172071.4 (MANE Select); coding-DNA position 2761, G replaced by A.
Protein change: p.Gly921Ser; replaces glycine 921 with serine.
Molecular consequence: missense variant.
Genome position (GRCh38, 1-based): chr1:173,946,813, C>T on the plus strand (G>A on the coding strand, the complement: RC3H1 is on the minus strand). VCF-style: chr1-173946813-C-T. GRCh37 (hg19) VCF-style: chr1-173915951-C-T.
Other names: c.2761G>A, p.Gly921Ser (NM_001300850.1, NM_001300851.1, NM_001300852.1); short protein forms G921S.
Identifiers: ClinVar variation 4820869 (VCV004820869.4).